The following is an entry in ClinVar:

NM_052874.5(STX1B):c.798G>C (p.Met266Ile)

Gene: STX1B (syntaxin 1B; minus strand). Cytogenetic location: 16p11.2.
Variant type: single nucleotide variant.
Coding change: c.798G>C on transcript NM_052874.5 (MANE Select); coding-DNA position 798, G replaced by C.
Protein change: p.Met266Ile; replaces methionine 266 with isoleucine.
Molecular consequence: missense variant.
Genome position (GRCh38, 1-based): chr16:30,992,890, C>G on the plus strand (G>C on the coding strand, the complement: STX1B is on the minus strand). VCF-style: chr16-30992890-C-G. GRCh37 (hg19) VCF-style: chr16-31004211-C-G.
Other names: short protein forms M266I.
Identifiers: ClinVar variation 1719341 (VCV001719341.5), dbSNP rs1201825490, ClinGen allele CA395646138.

ClinVar aggregate classification (germline): Uncertain significance (1 of 4 stars; one submission).

Conditions:
Generalized epilepsy with febrile seizures plus, type 9 (GEFSP9). Also called: GEFS+, TYPE 9. Identifiers: Orphanet 36387, MedGen C4015395, MONDO:0014517, OMIM 616172.

Submission:

Labcorp Genetics (formerly Invitae), Labcorp
Classification: Uncertain significance for Generalized epilepsy with febrile seizures plus, type 9. Last evaluated: 2023-08-30. Review status: criteria provided, single submitter. Criteria: Invitae Variant Classification Sherloc (09022015). Collection method: clinical testing. Allele origin: germline.
Comment: In summary, the available evidence is currently insufficient to determine the role of this variant in disease. Therefore, it has been classified as a Variant of Uncertain Significance. Advanced modeling of protein sequence and biophysical properties (such as structural, functional, and spatial information, amino acid conservation, physicochemical variation, residue mobility, and thermodynamic stability) performed at Invitae indicates that this missense variant is not expected to disrupt STX1B protein function. ClinVar contains an entry for this variant (Variation ID: 1719341). This variant has not been reported in the literature in individuals affected with STX1B-related conditions. This variant is not present in population databases (gnomAD no frequency). This sequence change replaces methionine, which is neutral and non-polar, with isoleucine, which is neutral and non-polar, at codon 266 of the STX1B protein (p.Met266Ile).